The following is an entry in ClinVar:

NM_004360.5(CDH1):c.2552C>G (p.Ser851Ter)

Gene: CDH1 (cadherin 1; plus strand). Cytogenetic location: 16q22.1.
Variant type: single nucleotide variant.
Coding change: c.2552C>G on transcript NM_004360.5 (MANE Select); coding-DNA position 2552, C replaced by G.
Protein change: p.Ser851Ter; replaces serine 851 with a stop codon.
Molecular consequence: nonsense.
Genome position (GRCh38, 1-based): chr16:68,833,402, C>G. VCF-style: chr16-68833402-C-G. GRCh37 (hg19) VCF-style: chr16-68867305-C-G.
Other names: c.2369C>G, p.Ser790Ter (NM_001317184.2); c.1004C>G, p.Ser335Ter (NM_001317185.2); c.587C>G, p.Ser196Ter (NM_001317186.2); short protein forms S790*, S335*, S196*, S851*.
Identifiers: ClinVar variation 1792966 (VCV001792966.5), dbSNP rs2543965209, ClinGen allele CA396472414.

ClinVar aggregate classification (germline): Uncertain significance. Review status: criteria provided, multiple submitters, no conflicts (2 of 4 stars). 2 submissions from 2 submitters: Uncertain significance (2). Last evaluated 2024-06-26.

Conditions:
Hereditary cancer-predisposing syndrome. Also called: Neoplastic Syndromes, Hereditary; Tumor predisposition; Hereditary neoplastic syndrome; Hereditary Cancer Syndrome. Identifiers: Orphanet 140162, MedGen C0027672, MeSH D009386, MONDO:0015356.
Hereditary diffuse gastric adenocarcinoma (HDGC). Also called: DIFFUSE GASTRIC AND LOBULAR BREAST CANCER SYNDROME. Identifiers: Orphanet 26106, MedGen C1708349, MONDO:0007648, OMIM 137215.

Submissions (2):

Labcorp Genetics (formerly Invitae), Labcorp
Classification: Uncertain significance for Hereditary diffuse gastric adenocarcinoma. Last evaluated: 2024-06-26. Review status: criteria provided, single submitter. Criteria: Invitae Variant Classification Sherloc (09022015). Collection method: clinical testing. Allele origin: germline.
Comment: This sequence change creates a premature translational stop signal (p.Ser851*) in the CDH1 gene. While this is not anticipated to result in nonsense mediated decay, it is expected to disrupt the last 32 amino acid(s) of the CDH1 protein. This variant is not present in population databases (gnomAD no frequency). This variant has not been reported in the literature in individuals affected with CDH1-related conditions. ClinVar contains an entry for this variant (Variation ID: 1792966). Experimental studies and prediction algorithms are not available or were not evaluated, and the functional significance of this variant is currently unknown. In summary, the available evidence is currently insufficient to determine the role of this variant in disease. Therefore, it has been classified as a Variant of Uncertain Significance.

Ambry Genetics
Classification: Uncertain significance for Hereditary cancer-predisposing syndrome. Last evaluated: 2022-02-14. Review status: criteria provided, single submitter. Criteria: Ambry Variant Classification Scheme 2023. Collection method: clinical testing. Allele origin: germline.
Comment: The p.S851* variant (also known as c.2552C>G), located in coding exon 16 of the CDH1 gene, results from a C to G substitution at nucleotide position 2552. This changes the amino acid from a serine to a stop codon within coding exon 16. This alteration occurs at the 3' terminus of theCDH1 gene, is not expected to trigger nonsense-mediated mRNAdecay, and only impacts the last 32 amino acids of the protein. The exact functional effect of this alteration is unknown. Since supporting evidence is limited at this time, the clinical significance of this alteration remains unclear.